The following is an entry in ClinVar:

NM_024675.4(PALB2):c.1557C>T (p.Ala519=)

Gene: PALB2 (partner and localizer of BRCA2; minus strand). Cytogenetic location: 16p12.2.
Variant type: single nucleotide variant.
Coding change: c.1557C>T on transcript NM_024675.4 (MANE Select); coding-DNA position 1557, C replaced by T.
Protein change: p.Ala519=; no amino-acid change (alanine 519 retained).
Molecular consequence: synonymous variant.
Genome position (GRCh38, 1-based): chr16:23,634,989, G>A on the plus strand (C>T on the coding strand, the complement: PALB2 is on the minus strand). VCF-style: chr16-23634989-G-A. GRCh37 (hg19) VCF-style: chr16-23646310-G-A.
Identifiers: ClinVar variation 402293 (VCV000402293.19), dbSNP rs752349785, ClinGen allele CA7963696.
Genomic context (GRCh38, chr16:23,634,989, plus strand): 5'-AACAATCGACAGGCTAGAAGTTGGCAAAAGTGGTTCACAATGATCTGATGCTGGGGTGCA[G>A]GCTGATTTTCTTTTTCCTGTGTATCTTCTACCAGGTGCTTGGGCAACTGCCTTCCTAGAC-3'
Protein context (NP_078951.2, residues 509-529): GRRYTGKRKS[Ala519=]CTPASDHCEP

ClinVar aggregate classification (germline): Benign/Likely benign. Review status: criteria provided, multiple submitters, no conflicts (2 of 4 stars). 4 submissions from 4 submitters: Benign (1); Likely benign (3). Last evaluated 2025-07-20.

Conditions:
Hereditary cancer-predisposing syndrome. Also called: Neoplastic Syndromes, Hereditary; Hereditary Cancer Syndrome; Tumor predisposition; Hereditary neoplastic syndrome. Identifiers: Orphanet 140162, MedGen C0027672, MeSH D009386, MONDO:0015356.
Familial cancer of breast. Also called: BREAST CANCER, FAMILIAL; Hereditary breast cancer; hereditary breast carcinoma. Identifiers: Orphanet 227535, MedGen C0346153, MONDO:0016419, OMIM 114480. Disease mechanism: loss of function.

Allele frequency attached by ClinVar (database versions not stated): gnomAD exomes below 0.00001 and 0.00001; gnomAD 0.00001; ExAC 0.00002.
gnomAD v4.1: 5 of 1,614,080 alleles (0.00031%); highest among the groups gnomAD compares: Admixed American, 0.0017%; no homozygotes.

Submissions (4):

Labcorp Genetics (formerly Invitae), Labcorp
Classification: Likely benign for Familial cancer of breast. Last evaluated: 2025-07-20. Review status: criteria provided, single submitter. Criteria: Invitae Variant Classification Sherloc (09022015). Collection method: clinical testing. Allele origin: germline.

Myriad Genetics, Inc.
Classification: Benign for Familial cancer of breast. Last evaluated: 2025-01-14. Review status: criteria provided, single submitter. Criteria: Myriad Autosomal Dominant, Autosomal Recessive and X-Linked Classification Criteria (2023). Collection method: clinical testing. Allele origin: unknown.
Comment: This variant is considered benign. This variant is a silent/synonymous amino acid change and it is not expected to impact splicing.

Color Diagnostics, LLC DBA Color Health
Classification: Likely benign for Hereditary cancer-predisposing syndrome. Last evaluated: 2022-03-01. Review status: criteria provided, single submitter. Criteria: ACMG Guidelines, 2015. Collection method: clinical testing. Allele origin: germline.

Ambry Genetics
Classification: Likely benign for Hereditary cancer-predisposing syndrome. Last evaluated: 2015-01-22. Review status: criteria provided, single submitter. Criteria: Ambry Variant Classification Scheme 2023. Collection method: clinical testing. Allele origin: germline.